The following is an entry in ClinVar:

NM_000138.5(FBN1):c.450T>A (p.Cys150Ter)

Gene: FBN1 (fibrillin 1; minus strand). Cytogenetic location: 15q21.1.
Variant type: single nucleotide variant.
Coding change: c.450T>A on transcript NM_000138.5 (MANE Select); coding-DNA position 450, T replaced by A.
Protein change: p.Cys150Ter; replaces cysteine 150 with a stop codon.
Molecular consequence: nonsense.
Genome position (GRCh38, 1-based): chr15:48,596,371, A>T on the plus strand (T>A on the coding strand, the complement: FBN1 is on the minus strand). VCF-style: chr15-48596371-A-T. GRCh37 (hg19) VCF-style: chr15-48888568-A-T.
Other names: c.450T>A, p.Cys150Ter (NM_001406716.1, NM_001406717.1); short protein forms C150*.
Identifiers: ClinVar variation 3757521 (VCV003757521.2).

ClinVar aggregate classification (germline): Pathogenic (1 of 4 stars; one submission).

Conditions:
Marfan syndrome (MFS). Also called: MARFAN SYNDROME, TYPE I; Marfan syndrome type 1; Marfan's syndrome; Marfan syndrome, classic; FBN1-Related Marfan Syndrome. Identifiers: Orphanet 284963, Orphanet 558, MedGen C0024796, MONDO:0007947, OMIM 154700.
Familial thoracic aortic aneurysm and aortic dissection (TAAD). Also called: Thoracic aortic aneurysms and dissections. Identifiers: Orphanet 91387, MedGen C4707243, MONDO:0019625.

Submission:

Labcorp Genetics (formerly Invitae), Labcorp
Classification: Pathogenic for Marfan syndrome; Familial thoracic aortic aneurysm and aortic dissection. Last evaluated: 2024-08-04. Review status: criteria provided, single submitter. Criteria: Invitae Variant Classification Sherloc (09022015). Collection method: clinical testing. Allele origin: germline.
Comment: This sequence change creates a premature translational stop signal (p.Cys150*) in the FBN1 gene. It is expected to result in an absent or disrupted protein product. Loss-of-function variants in FBN1 are known to be pathogenic (PMID: 17657824, 19293843). This variant is not present in population databases (gnomAD no frequency). This variant has not been reported in the literature in individuals affected with FBN1-related conditions. For these reasons, this variant has been classified as Pathogenic.

Literature cited by the submitters: PubMed 17657824; PubMed 19293843.